The following is an entry in ClinVar:

ClinVar aggregate classification (germline): Uncertain significance (1 of 4 stars; one submission).

Submission:

Labcorp Genetics (formerly Invitae), Labcorp
Classification: Uncertain significance. Last evaluated: 2025-02-03. Review status: criteria provided, single submitter. Criteria: Invitae Variant Classification Sherloc (09022015). Collection method: clinical testing. Allele origin: germline.
Comment: This sequence change replaces cysteine, which is neutral and slightly polar, with glycine, which is neutral and non-polar, at codon 804 of the ERCC6L2 protein (p.Cys804Gly). This variant is not present in population databases (gnomAD no frequency). This variant has not been reported in the literature in individuals affected with ERCC6L2-related conditions. Experimental studies and prediction algorithms are not available or were not evaluated, and the functional significance of this variant is currently unknown. In summary, the available evidence is currently insufficient to determine the role of this variant in disease. Therefore, it has been classified as a Variant of Uncertain Significance.

NM_020207.7(ERCC6L2):c.2377T>G (p.Cys793Gly)

Gene: ERCC6L2 (ERCC excision repair 6 like 2; plus strand). Cytogenetic location: 9q22.32.
Variant type: single nucleotide variant.
Coding change: c.2377T>G on transcript NM_020207.7 (MANE Select); coding-DNA position 2377, T replaced by G.
Protein change: p.Cys793Gly; replaces cysteine 793 with glycine.
Molecular consequence: missense variant. On other transcripts: non-coding transcript variant (1).
Genome position (GRCh38, 1-based): chr9:95,972,128, T>G. VCF-style: chr9-95972128-T-G. GRCh37 (hg19) VCF-style: chr9-98734410-T-G.
Other names: c.2377T>G, p.Cys793Gly (NM_001375294.1, NM_001375291.1, NM_001375292.1 and 1 more transcripts); short protein forms C793G.
Identifiers: ClinVar variation 3693479 (VCV003693479.2).